The following is an entry in ClinVar:

ClinVar aggregate classification (germline): Uncertain significance (1 of 4 stars; one submission).

gnomAD v4.1: 1 of 1,614,092 alleles (0.000062%); highest among the groups gnomAD compares: Non-Finnish European, 0.000085%; no homozygotes.

Submission:

GeneDx
Classification: Uncertain significance. Last evaluated: 2024-11-10. Review status: criteria provided, single submitter. Criteria: GeneDx Variant Classification Process June 2021. Collection method: clinical testing. Allele origin: germline. Affected: yes.
Comment: Not observed at significant frequency in large population cohorts (gnomAD); In silico analysis supports that this missense variant has a deleterious effect on protein structure/function; In silico analysis suggests this variant may impact gene splicing. In the absence of RNA/functional studies, the actual effect of this sequence change is unknown.; Has not been previously published as pathogenic or benign to our knowledge

NM_001967.4(EIF4A2):c.110A>T (p.Asp37Val)

Gene: EIF4A2 (eukaryotic translation initiation factor 4A2; plus strand). Cytogenetic location: 3q27.3.
Variant type: single nucleotide variant.
Coding change: c.110A>T on transcript NM_001967.4 (MANE Select); coding-DNA position 110, A replaced by T.
Protein change: p.Asp37Val; replaces aspartic acid 37 with valine.
Molecular consequence: missense variant.
Genome position (GRCh38, 1-based): chr3:186,784,598, A>T. VCF-style: chr3-186784598-A-T. GRCh37 (hg19) VCF-style: chr3-186502387-A-T.
Other names: short protein forms D37V.
Identifiers: ClinVar variation 3899558 (VCV003899558.1).
Genomic context (GRCh38, chr3:186,784,598, plus strand): 5'-CGTGCATTATTTTTTCTAACTTACAGAGCAACTGGAATGAGATTGTTGATAACTTTGATG[A>T]TATGAATTTAAAGGAGTCTCTCCTTCGTGGCATCTATGCTTACGGTTTTGAGAAGCCTTC-3'
Protein context (NP_001958.2, residues 27-47): NWNEIVDNFD[Asp37Val]MNLKESLLRG